The following is an entry in ClinVar:

NM_016341.4(PLCE1):c.537C>A (p.His179Gln)

Gene: PLCE1 (phospholipase C epsilon 1; plus strand). Cytogenetic location: 10q23.33.
Variant type: single nucleotide variant.
Coding change: c.537C>A on transcript NM_016341.4 (MANE Select); coding-DNA position 537, C replaced by A.
Protein change: p.His179Gln; replaces histidine 179 with glutamine.
Molecular consequence: missense variant.
Genome position (GRCh38, 1-based): chr10:94,031,583, C>A. VCF-style: chr10-94031583-C-A. GRCh37 (hg19) VCF-style: chr10-95791340-C-A.
Other names: c.537C>A, p.His179Gln (NM_001288989.2); short protein forms H179Q.
Identifiers: ClinVar variation 4077329 (VCV004077329.2).

ClinVar aggregate classification (germline): Uncertain significance. Review status: criteria provided, multiple submitters, no conflicts (2 of 4 stars). 2 submissions from 2 submitters: Uncertain significance (2). Last evaluated 2025-08-14.

Conditions:
Inborn genetic diseases. Identifiers: MedGen C0950123, MeSH D030342.

gnomAD v4.1: 3 of 1,612,280 alleles (0.00019%); highest among the groups gnomAD compares: Non-Finnish European, 0.000085%; no homozygotes.

Submissions (2):

Ambry Genetics
Classification: Uncertain significance for Inborn genetic diseases. Last evaluated: 2025-08-14. Review status: criteria provided, single submitter. Criteria: Ambry Variant Classification Scheme 2023. Collection method: clinical testing. Allele origin: germline.

GeneDx
Classification: Uncertain significance. Last evaluated: 2025-02-28. Review status: criteria provided, single submitter. Criteria: GeneDx Variant Classification Process June 2021. Collection method: clinical testing. Allele origin: germline. Affected: yes.
Comment: Not observed at significant frequency in large population cohorts (gnomAD); In silico analysis indicates that this missense variant does not alter protein structure/function; Has not been previously published as pathogenic or benign to our knowledge